The following is an entry in ClinVar:

ClinVar aggregate classification (germline): Benign. Review status: criteria provided, multiple submitters, no conflicts (2 of 4 stars). 6 submissions from 6 submitters: Benign (6). Last evaluated 2026-02-01.

Conditions:
Emery-Dreifuss muscular dystrophy 5, autosomal dominant (EDMD5). Also called: EMERY-DREIFUSS MUSCULAR DYSTROPHY 5. Identifiers: Orphanet 261, MedGen C2751805, MONDO:0013072, OMIM 612999.

Allele frequency attached by ClinVar (database versions not stated): 1000 Genomes Project 30x 0.01140; ESP Exome Variant Server 0.00065; TOPMed 0.00829; 1000 Genomes Project 0.00998; gnomAD 0.00434 and 0.00456.
gnomAD v4.1: 4,491 of 1,613,340 alleles (0.28%); highest among the groups gnomAD compares: Admixed American, 6%; 157 homozygotes.

Submissions (11):

Labcorp Genetics (formerly Invitae), Labcorp
Classification: Benign for Emery-Dreifuss muscular dystrophy 5, autosomal dominant. Last evaluated: 2026-02-01. Review status: criteria provided, single submitter. Criteria: Invitae Variant Classification Sherloc (09022015). Collection method: clinical testing. Allele origin: germline.

GeneDx
Classification: Benign. Last evaluated: 2018-07-09. Review status: criteria provided, single submitter. Criteria: GeneDx Variant Classification Process June 2021. Collection method: clinical testing. Allele origin: germline. Affected: yes.

Illumina Laboratory Services, Illumina
Classification: Benign for Emery-Dreifuss muscular dystrophy 5, autosomal dominant. Last evaluated: 2018-01-13. Review status: criteria provided, single submitter. Criteria: ICSL Variant Classification Criteria 13 December 2019. Collection method: clinical testing. Allele origin: germline.
Comment: This variant was observed in the ICSL laboratory as part of a predisposition screen in an ostensibly healthy population. It had not been previously curated by ICSL or reported in the Human Gene Mutation Database (HGMD: prior to June 1st, 2018), and was therefore a candidate for classification through an automated scoring system. Utilizing variant allele frequency, disease prevalence and penetrance estimates, and inheritance mode, an automated score was calculated to assess if this variant is too frequent to cause the disease. Based on the score and internal cut-off values, a variant classified as benign is not then subjected to further curation. The score for this variant resulted in a classification of benign for this disease.

Genetic Services Laboratory, University of Chicago
Classification: Benign. Last evaluated: 2017-08-14. Review status: criteria provided, single submitter. Criteria: ACMG Guidelines, 2015. Collection method: clinical testing. Allele origin: germline. Affected: no.

Eurofins Ntd Llc (ga)
Classification: Benign. Last evaluated: 2015-07-23. Review status: criteria provided, single submitter. Criteria: EGL Classification Definitions 2015. Collection method: clinical testing. Allele origin: germline. Observed: 1 variant allele, 1 heterozygote.

Breakthrough Genomics
Classification: Benign. Review status: criteria provided, single submitter. Criteria: ACMG Guidelines, 2015. Collection method: not provided. Allele origin: germline. Inheritance: Autosomal dominant inheritance. Affected: yes.

Dr. Peter K. Rogan Lab, Western University
No classification provided (evidence only). Condition: Acute myeloid leukemia. Review status: no classification provided. Collection method: in vitro. Allele origin: not applicable. Functional consequence: retained intron. Not counted in ClinVar's aggregate classification.

Dr. Peter K. Rogan Lab, Western University
No classification provided (evidence only). Condition: Cervical cancer. Review status: no classification provided. Collection method: in vitro. Allele origin: not applicable. Functional consequence: retained intron. Not counted in ClinVar's aggregate classification.

Dr. Peter K. Rogan Lab, Western University
No classification provided (evidence only). Condition: Hepatocellular carcinoma. Review status: no classification provided. Collection method: in vitro. Allele origin: not applicable. Functional consequence: retained intron. Not counted in ClinVar's aggregate classification.

Dr. Peter K. Rogan Lab, Western University
No classification provided (evidence only). Condition: Gastric cancer. Review status: no classification provided. Collection method: in vitro. Allele origin: not applicable. Functional consequence: retained intron. Not counted in ClinVar's aggregate classification.

Dr. Peter K. Rogan Lab, Western University
No classification provided (evidence only). Condition: Gastric cancer. Review status: no classification provided. Collection method: in vitro. Allele origin: not applicable. Functional consequence: retained intron. Not counted in ClinVar's aggregate classification.

NM_182914.3(SYNE2):c.6321C>T (p.Ser2107=)

Gene: SYNE2 (spectrin repeat containing nuclear envelope protein 2; plus strand). Cytogenetic location: 14q23.2.
Variant type: single nucleotide variant.
Coding change: c.6321C>T on transcript NM_182914.3 (MANE Select); coding-DNA position 6321, C replaced by T.
Protein change: p.Ser2107=; no amino-acid change (serine 2107 retained).
Molecular consequence: synonymous variant.
Genome position (GRCh38, 1-based): chr14:64,026,647, C>T. VCF-style: chr14-64026647-C-T. GRCh37 (hg19) VCF-style: chr14-64493365-C-T.
Other names: c.6321C>T, p.Ser2107= (NM_015180.6).
Identifiers: ClinVar variation 130502 (VCV000130502.28), dbSNP rs143410137, ClinGen allele CA155588.
Genomic context (GRCh38, chr14:64,026,647, plus strand): 5'-TTTGCTGAAGCCTGAAGGGGATGCCAGAATAGAGACCATCATGAAGCAGGCTGAGAGCAG[C>T]GAGGCCCCGCTGGTTCAGAAGACCCTCACTGACATCAGCAACCAGTGGGACAACACACTC-3'
Protein context (NP_878918.2, residues 2097-2117): IETIMKQAES[Ser2107=]EAPLVQKTLT